The following is an entry in ClinVar:

NM_000548.5(TSC2):c.3893T>C (p.Val1298Ala)

Gene: TSC2 (TSC complex subunit 2; plus strand). Cytogenetic location: 16p13.3.
Variant type: single nucleotide variant.
Coding change: c.3893T>C on transcript NM_000548.5 (MANE Select); coding-DNA position 3893, T replaced by C.
Protein change: p.Val1298Ala; replaces valine 1298 with alanine.
Molecular consequence: missense variant.
Genome position (GRCh38, 1-based): chr16:2,083,704, T>C. VCF-style: chr16-2083704-T-C. GRCh37 (hg19) VCF-style: chr16-2133705-T-C.
Other names: c.3692T>C, p.Val1231Ala (NM_001077183.3); c.3824T>C, p.Val1275Ala (NM_001114382.3); c.3584T>C, p.Val1195Ala (NM_001318827.2); c.3548T>C, p.Val1183Ala (NM_001318829.2); c.3161T>C, p.Val1054Ala (NM_001318831.2); c.3725T>C, p.Val1242Ala (NM_001318832.2); c.3695T>C, p.Val1232Ala (NM_001363528.2); c.3761T>C, p.Val1254Ala (NM_001370404.1); and 1 more; short protein forms V1298A, V1054A, V1183A, V1195A, V1254A, V1255A, V1231A, V1232A.
Identifiers: ClinVar variation 577294 (VCV000577294.13), dbSNP rs758677443, ClinGen allele CA049528.

ClinVar aggregate classification (germline): Uncertain significance. Review status: criteria provided, multiple submitters, no conflicts (2 of 4 stars). 3 submissions from 3 submitters: Uncertain significance (3). Last evaluated 2025-06-22.

Conditions:
Tuberous sclerosis 2 (TSC2). Identifiers: Orphanet 805, MedGen C1860707, MONDO:0013199, OMIM 613254.
Tuberous sclerosis syndrome (TSC). Also called: Tuberous Sclerosis Complex; Tuberous sclerosis. Identifiers: Orphanet 805, MedGen C0041341, MONDO:0001734.
Hereditary cancer-predisposing syndrome. Also called: Hereditary neoplastic syndrome; Tumor predisposition; Hereditary Cancer Syndrome; Neoplastic Syndromes, Hereditary. Identifiers: Orphanet 140162, MedGen C0027672, MeSH D009386, MONDO:0015356.

Allele frequency attached by ClinVar (database versions not stated): TOPMed 0.00002; gnomAD 0.00001; gnomAD exomes 0.00001; ExAC 0.00005.
gnomAD v4.1: 5 of 1,587,444 alleles (0.00031%); highest among the groups gnomAD compares: African/African-American, 0.0067%; no homozygotes.

Submissions (3):

Ambry Genetics
Classification: Uncertain significance for Hereditary cancer-predisposing syndrome. Last evaluated: 2025-06-22. Review status: criteria provided, single submitter. Criteria: Ambry Variant Classification Scheme 2023. Collection method: clinical testing. Allele origin: germline.
Comment: The p.V1298A variant (also known as c.3893T>C), located in coding exon 32 of the TSC2 gene, results from a T to C substitution at nucleotide position 3893. The valine at codon 1298 is replaced by alanine, an amino acid with similar properties. This amino acid position is not well conserved in available vertebrate species. In addition, the in silico prediction for this alteration is inconclusive. Since supporting evidence is limited at this time, the clinical significance of this alteration remains unclear.

All of Us Research Program, National Institutes of Health
Classification: Uncertain significance for Tuberous sclerosis syndrome. Last evaluated: 2023-12-18. Review status: criteria provided, single submitter. Criteria: ACMG Guidelines, 2015. Collection method: clinical testing. Allele origin: germline. Inheritance: Autosomal dominant inheritance. Observed: 1 variant allele, 1 heterozygote.
Comment: This missense variant replaces valine with alanine at codon 1298 of the TSC2 protein. Computational prediction is inconclusive regarding the impact of this variant on protein structure and function (internally defined REVEL score threshold 0.5 < inconclusive < 0.7, PMID: 27666373). To our knowledge, functional studies have not been reported for this variant. This variant has not been reported in individuals affected with tuberous sclerosis complex in the literature. This variant has not been identified in the general population by the Genome Aggregation Database (gnomAD). The available evidence is insufficient to determine the role of this variant in disease conclusively. Therefore, this variant is classified as a Variant of Uncertain Significance.

This study involves interpretation of variants in research participants for the purpose of population health screening. Participant phenotype was not available at the time of variant classification. Additional details can be found in publication PMID: 35346344, PMCID: PMC8962531

Labcorp Genetics (formerly Invitae), Labcorp
Classification: Uncertain significance for Tuberous sclerosis 2. Last evaluated: 2023-05-03. Review status: criteria provided, single submitter. Criteria: Invitae Variant Classification Sherloc (09022015). Collection method: clinical testing. Allele origin: germline.
Comment: This sequence change replaces valine, which is neutral and non-polar, with alanine, which is neutral and non-polar, at codon 1298 of the TSC2 protein (p.Val1298Ala). In summary, the available evidence is currently insufficient to determine the role of this variant in disease. Therefore, it has been classified as a Variant of Uncertain Significance. Advanced modeling of protein sequence and biophysical properties (such as structural, functional, and spatial information, amino acid conservation, physicochemical variation, residue mobility, and thermodynamic stability) performed at Invitae indicates that this missense variant is not expected to disrupt TSC2 protein function. ClinVar contains an entry for this variant (Variation ID: 577294). This variant has not been reported in the literature in individuals affected with TSC2-related conditions. The frequency data for this variant in the population databases is considered unreliable, as metrics indicate poor data quality at this position in the gnomAD database.